The following is an entry in ClinVar:

NM_006019.4(TCIRG1):c.625G>A (p.Val209Met)

Gene: TCIRG1 (T cell immune regulator 1, ATPase H+ transporting V0 subunit a3; plus strand). Cytogenetic location: 11q13.2.
Variant type: single nucleotide variant.
Coding change: c.625G>A on transcript NM_006019.4 (MANE Select); coding-DNA position 625, G replaced by A.
Protein change: p.Val209Met; replaces valine 209 with methionine.
Molecular consequence: missense variant. On other transcripts: 5 prime UTR variant (2).
Genome position (GRCh38, 1-based): chr11:68,043,492, G>A. VCF-style: chr11-68043492-G-A. GRCh37 (hg19) VCF-style: chr11-67810959-G-A.
Other names: c.-286G>A (NM_001351059.2); c.-24G>A (NM_006053.4); c.625G>A (NM_006019.3); short protein forms V209M.
Identifiers: ClinVar variation 2046559 (VCV002046559.6), dbSNP rs879921769, ClinGen allele CA224203921.

ClinVar aggregate classification (germline): Uncertain significance. Review status: criteria provided, multiple submitters, no conflicts (2 of 4 stars). 2 submissions from 2 submitters: Uncertain significance (2). Last evaluated 2025-12-09.

Conditions:
Inborn genetic diseases. Identifiers: MedGen C0950123, MeSH D030342.

Allele frequency attached by ClinVar (database versions not stated): TOPMed 0.00002; gnomAD 0.00005.
gnomAD v4.1: 20 of 1,569,032 alleles (0.0013%); highest among the groups gnomAD compares: Non-Finnish European, 0.0017%; no homozygotes.

Submissions (2):

Ambry Genetics
Classification: Uncertain significance for Inborn genetic diseases. Last evaluated: 2025-12-09. Review status: criteria provided, single submitter. Criteria: Ambry Variant Classification Scheme 2023. Collection method: clinical testing. Allele origin: germline.

Labcorp Genetics (formerly Invitae), Labcorp
Classification: Uncertain significance. Last evaluated: 2025-08-21. Review status: criteria provided, single submitter. Criteria: Invitae Variant Classification Sherloc (09022015). Collection method: clinical testing. Allele origin: germline.
Comment: This sequence change replaces valine, which is neutral and non-polar, with methionine, which is neutral and non-polar, at codon 209 of the TCIRG1 protein (p.Val209Met). This variant is present in population databases (no rsID available, gnomAD 0.004%). This variant has not been reported in the literature in individuals affected with TCIRG1-related conditions. ClinVar contains an entry for this variant (Variation ID: 2046559). Invitae Evidence Modeling of protein sequence and biophysical properties (such as structural, functional, and spatial information, amino acid conservation, physicochemical variation, residue mobility, and thermodynamic stability) indicates that this missense variant is not expected to disrupt TCIRG1 protein function with a negative predictive value of 80%. In summary, the available evidence is currently insufficient to determine the role of this variant in disease. Therefore, it has been classified as a Variant of Uncertain Significance.